The following is an entry in ClinVar:

ClinVar aggregate classification (germline): Likely pathogenic (1 of 4 stars; one submission).

Conditions:
ABCB4-related disorder. Also called: ABCB4-related disorders; ABCB4-related condition.

Submission:

PreventionGenetics, part of Exact Sciences
Classification: Likely pathogenic for ABCB4-related condition. Last evaluated: 2026-03-31. Review status: criteria provided, single submitter. Criteria: ACMG Guidelines, 2015. Collection method: clinical testing. Allele origin: germline.
Comment: The ABCB4 c.689_690delCT variant is predicted to result in a frameshift and premature protein termination (p.Ser230Cysfs*12). To our knowledge, this variant has not been reported in the literature or in a large population database (gnomAD), indicating this variant is rare. Frameshift variants in ABCB4 are expected to be pathogenic. This variant is interpreted as likely pathogenic.

NM_000443.4(ABCB4):c.689_690del (p.Ser230fs)

Gene: ABCB4 (ATP binding cassette subfamily B member 4; minus strand). Cytogenetic location: 7q21.12.
Variant type: Microsatellite.
Coding change: c.689_690del on transcript NM_000443.4 (MANE Select); coding-DNA positions 689 to 690, 2 bases deleted (CT; older notation c.689_690delCT).
Protein change: p.Ser230fs; shifts the reading frame from serine 230.
Molecular consequence: frameshift variant.
Genome position (GRCh38, 1-based): chr7:87,451,641-87,451,642, AG deleted on the plus strand (CT on the coding strand, the reverse complement: ABCB4 is on the minus strand); deleting any 2 consecutive bases within chr7:87,451,641-87,451,646 gives the same sequence; the c. name uses the placement nearest the transcript's 3' end. VCF-style (leftmost placement, unchanged base first): chr7-87451640-CAG-C. GRCh37 (hg19) VCF-style: chr7-87080956-CAG-C.
Other names: c.689_690del, p.Ser230fs (NM_018849.3, NM_018850.3); short protein forms S230fs.
Identifiers: ClinVar variation 4996466 (VCV004996466.1).